The following is an entry in ClinVar:

NM_014516.4(CNOT3):c.387+5G>A

Gene: CNOT3 (CCR4-NOT transcription complex subunit 3; plus strand). Cytogenetic location: 19q13.42.
Variant type: single nucleotide variant.
Coding change: c.387+5G>A on transcript NM_014516.4 (MANE Select); 5 bases into the intron after coding-DNA position 387, G replaced by A.
Molecular consequence: intron variant.
Genome position (GRCh38, 1-based): chr19:54,144,139, G>A. VCF-style: chr19-54144139-G-A. GRCh37 (hg19) VCF-style: chr19-54647875-G-A.
Identifiers: ClinVar variation 3494482 (VCV003494482.1).

ClinVar aggregate classification (germline): Uncertain significance (1 of 4 stars; one submission).

Conditions:
Inborn genetic diseases. Identifiers: MedGen C0950123, MeSH D030342.

Submission:

Ambry Genetics
Classification: Uncertain significance for Inborn genetic diseases. Last evaluated: 2024-07-25. Review status: criteria provided, single submitter. Criteria: Ambry Variant Classification Scheme 2023. Collection method: clinical testing. Allele origin: germline.
Comment: The c.387+5G>A intronic alteration results from G to A substitution 5 nucleotides after coding exon 5 in the CNOT3 gene. This variant was not reported in population-based cohorts in the Genome Aggregation Database (gnomAD). This amino acid position is highly conserved in available vertebrate species. RNA studies have demonstrated that this alteration results in a transcript predicted to lead to a protein with an in-frame deletion of 43 amino acids; however, the exact functional impact of the deleted amino acids is unknown at this time (Ambry internal data). In silico splice site analysis predicts that this alteration will weaken the native splice donor site. Based on insufficient or conflicting evidence, the clinical significance of this alteration remains unclear.